The following is an entry in ClinVar:

ClinVar aggregate classification (germline): Uncertain significance. Review status: criteria provided, multiple submitters, no conflicts (2 of 4 stars). 3 submissions from 3 submitters: Uncertain significance (3). Last evaluated 2024-11-27.

Conditions:
Inborn genetic diseases. Identifiers: MedGen C0950123, MeSH D030342.

Allele frequency attached by ClinVar (database versions not stated): ExAC 0.00002; gnomAD exomes 0.00002 and 0.00003; gnomAD 0.00003 and 0.00004; TOPMed 0.00003.
gnomAD v4.1: 51 of 1,613,558 alleles (0.0032%); highest among the groups gnomAD compares: African/African-American, 0.004%; no homozygotes.

Submissions (3):

Ambry Genetics
Classification: Uncertain significance for Inborn genetic diseases. Last evaluated: 2024-11-27. Review status: criteria provided, single submitter. Criteria: Ambry Variant Classification Scheme 2023. Collection method: clinical testing. Allele origin: germline.
Comment: The p.T1122I variant (also known as c.3365C>T), located in coding exon 1 of the SAMD9L gene, results from a C to T substitution at nucleotide position 3365. The threonine at codon 1122 is replaced by isoleucine, an amino acid with similar properties. This amino acid position is conserved. In addition, this alteration is predicted to be deleterious by in silico analysis. Based on the available evidence, the clinical significance of this variant remains unclear.

Labcorp Genetics (formerly Invitae), Labcorp
Classification: Uncertain significance. Last evaluated: 2024-01-20. Review status: criteria provided, single submitter. Criteria: Invitae Variant Classification Sherloc (09022015). Collection method: clinical testing. Allele origin: germline.
Comment: This sequence change replaces threonine, which is neutral and polar, with isoleucine, which is neutral and non-polar, at codon 1122 of the SAMD9L protein (p.Thr1122Ile). This variant is present in population databases (rs748535281, gnomAD 0.02%). This variant has not been reported in the literature in individuals affected with SAMD9L-related conditions. ClinVar contains an entry for this variant (Variation ID: 1402731). Advanced modeling of protein sequence and biophysical properties (such as structural, functional, and spatial information, amino acid conservation, physicochemical variation, residue mobility, and thermodynamic stability) performed at Invitae indicates that this missense variant is expected to disrupt SAMD9L protein function with a positive predictive value of 80%. In summary, the available evidence is currently insufficient to determine the role of this variant in disease. Therefore, it has been classified as a Variant of Uncertain Significance.

GeneDx
Classification: Uncertain significance. Last evaluated: 2022-06-28. Review status: criteria provided, single submitter. Criteria: GeneDx Variant Classification Process June 2021. Collection method: clinical testing. Allele origin: germline. Affected: yes.
Comment: Not observed at significant frequency in large population cohorts (gnomAD); In silico analysis supports that this missense variant has a deleterious effect on protein structure/function; Has not been previously published as pathogenic or benign to our knowledge

NM_152703.5(SAMD9L):c.3365C>T (p.Thr1122Ile)

Gene: SAMD9L (sterile alpha motif domain containing 9 like; minus strand). Cytogenetic location: 7q21.2.
Variant type: single nucleotide variant.
Coding change: c.3365C>T on transcript NM_152703.5 (MANE Select); coding-DNA position 3365, C replaced by T.
Protein change: p.Thr1122Ile; replaces threonine 1122 with isoleucine.
Molecular consequence: missense variant.
Genome position (GRCh38, 1-based): chr7:93,132,607, G>A on the plus strand (C>T on the coding strand, the complement: SAMD9L is on the minus strand). VCF-style: chr7-93132607-G-A. GRCh37 (hg19) VCF-style: chr7-92761920-G-A.
Other names: c.3365C>T (NM_152703.2); c.3365C>T, p.Thr1122Ile (NM_001303496.3, NM_001303497.3, NM_001303498.3 and 5 more transcripts); short protein forms T1122I.
Identifiers: ClinVar variation 1402731 (VCV001402731.10), dbSNP rs748535281, ClinGen allele CA4343462.